The following is an entry in ClinVar:

ClinVar aggregate classification (germline): Pathogenic/Likely pathogenic. Review status: criteria provided, multiple submitters, no conflicts (2 of 4 stars). 2 submissions from 2 submitters: Pathogenic (1); Likely pathogenic (1). Last evaluated 2025-03-25.

Conditions:
Hypogonadotropic hypogonadism 26 with or without anosmia (HH26). Identifiers: MedGen C5676903, MONDO:0030534, OMIM 619718.

Submissions (2):

GeneDx
Classification: Pathogenic. Last evaluated: 2025-03-25. Review status: criteria provided, single submitter. Criteria: GeneDx Variant Classification Process June 2021. Collection method: clinical testing. Allele origin: germline. Affected: yes.
Comment: Reported in a patient with unicoronal craniosynostosis and autism (PMID: 29215649); Frameshift variant predicted to result in protein truncation or nonsense mediated decay in a gene for which loss of function is a known mechanism of disease; Not observed at significant frequency in large population cohorts (gnomAD); This variant is associated with the following publications: (PMID: 32620954, 33084842, 29215649)

Baylor Genetics
Classification: Likely pathogenic for Hypogonadotropic hypogonadism 26 with or without anosmia. Last evaluated: 2023-01-04. Review status: criteria provided, single submitter. Criteria: ACMG Guidelines, 2015. Collection method: clinical testing. Allele origin: unknown.

NM_207037.2(TCF12):c.1490_1491del (p.Ser497fs)

Gene: TCF12 (transcription factor 12; plus strand). Cytogenetic location: 15q21.3.
Variant type: Microsatellite.
Coding change: c.1490_1491del on transcript NM_207037.2 (MANE Select); coding-DNA positions 1490 to 1491, 2 bases deleted (CT; older notation c.1490_1491delCT).
Protein change: p.Ser497fs; shifts the reading frame from serine 497.
Molecular consequence: frameshift variant.
Genome position (GRCh38, 1-based): chr15:57,262,116-57,262,117, CT deleted; deleting any 2 consecutive bases within chr15:57,262,114-57,262,117 gives the same sequence; the c. name uses the placement nearest the transcript's 3' end. VCF-style (leftmost placement, unchanged base first): chr15-57262113-ACT-A. GRCh37 (hg19) VCF-style: chr15-57554311-ACT-A.
Other names: c.980_981del, p.Ser327fs (NM_001306219.3); c.710_711del, p.Ser237fs (NM_001306220.3); c.1490_1491del, p.Ser497fs (NM_001322151.2, NM_001322152.2, NM_001322159.3 and 2 more transcripts); c.833_834del, p.Ser278fs (NM_001322154.2); c.1316_1317del, p.Ser439fs (NM_001322156.2); c.1418_1419del, p.Ser473fs (NM_001322157.3, NM_001322165.2, NM_003205.4 and 1 more transcripts); c.1244_1245del, p.Ser415fs (NM_001322158.2); c.1487_1488del, p.Ser496fs (NM_001322161.2); and 3 more; short protein forms S237fs, S278fs, S303fs, S327fs, S415fs, S439fs, S473fs, S485fs.
Identifiers: ClinVar variation 2582606 (VCV002582606.2), dbSNP rs1057520132, ClinGen allele CA645571302.